The following is an entry in ClinVar:

NM_001042492.3(NF1):c.4757C>A (p.Ala1586Asp)

Gene: NF1 (neurofibromin 1; plus strand). Cytogenetic location: 17q11.2.
Variant type: single nucleotide variant.
Coding change: c.4757C>A on transcript NM_001042492.3 (MANE Select); coding-DNA position 4757, C replaced by A.
Protein change: p.Ala1586Asp; replaces alanine 1586 with aspartic acid.
Molecular consequence: missense variant.
Genome position (GRCh38, 1-based): chr17:31,265,261, C>A. VCF-style: chr17-31265261-C-A. GRCh37 (hg19) VCF-style: chr17-29592279-C-A.
Other names: c.4694C>A, p.Ala1565Asp (NM_000267.4); short protein forms A1586D, A1565D.
Identifiers: ClinVar variation 5025655 (VCV005025655.1).
Genomic context (GRCh38, chr17:31,265,261, plus strand): 5'-CATAATTACTCTGTTATTTTTCTTTTAGGCATCAGGTACATGAAAAAGAAGAATTCAAGG[C>A]TTTGAAAACGTTAAGTATTTTCTACCAAGCTGGGACTTCCAAAGCTGGGAATCCTATTTT-3'
Protein context (NP_001035957.1, residues 1576-1596): HQVHEKEEFK[Ala1586Asp]LKTLSIFYQA

ClinVar aggregate classification (germline): Uncertain significance (1 of 4 stars; one submission).

Conditions:
Cardiovascular phenotype. Identifiers: MedGen CN230736.
Hereditary cancer-predisposing syndrome. Also called: Neoplastic Syndromes, Hereditary; Tumor predisposition; Hereditary neoplastic syndrome; Hereditary Cancer Syndrome. Identifiers: Orphanet 140162, MedGen C0027672, MeSH D009386, MONDO:0015356.

Submission:

Ambry Genetics
Classification: Uncertain significance for Cardiovascular phenotype; Hereditary cancer-predisposing syndrome. Last evaluated: 2026-09-07. Review status: criteria provided, single submitter. Criteria: Ambry Variant Classification Scheme 2023. Collection method: clinical testing. Allele origin: germline.
Comment: The p.A1565D variant (also known as c.4694C>A), located in coding exon 35 of the NF1 gene, results from a C to A substitution at nucleotide position 4694. The alanine at codon 1565 is replaced by aspartic acid, an amino acid with dissimilar properties. This amino acid position is conserved. In addition, this alteration is predicted to be deleterious by in silico analysis. Based on the available evidence, the clinical significance of this variant remains unclear.